The following is an entry in ClinVar:

ClinVar aggregate classification (germline): Uncertain significance (1 of 4 stars; one submission).

gnomAD v4.1: 11 of 1,205,591 alleles (0.00091%); highest among the groups gnomAD compares: Middle Eastern, 0.023%; no homozygotes.

Submission:

Ambry Genetics
Classification: Uncertain significance. Last evaluated: 2026-04-01. Review status: criteria provided, single submitter. Criteria: Ambry Variant Classification Scheme 2023. Collection method: clinical testing. Allele origin: germline.
Comment: The c.1709C>T (p.S570L) alteration is located in exon 17 (coding exon 17) of the ATP11C gene. This alteration results from a C to T substitution at nucleotide position 1709, causing the serine (S) at amino acid position 570 to be replaced by a leucine (L). Based on data from gnomAD, the T allele has an overall frequency of 0.001% (1/180863) total alleles studied. The highest observed frequency was 0.004% (1/26828) of Latino alleles. Based on insufficient or conflicting evidence, the clinical significance of this alteration remains unclear.

NM_001353812.2(ATP11C):c.1700C>T (p.Ser567Leu)

Gene: ATP11C (ATPase phospholipid transporting 11C (ATP11C blood group); minus strand). Cytogenetic location: Xq27.1.
Variant type: single nucleotide variant.
Coding change: c.1700C>T on transcript NM_001353812.2 (MANE Select); coding-DNA position 1700, C replaced by T.
Protein change: p.Ser567Leu; replaces serine 567 with leucine.
Molecular consequence: missense variant.
Genome position (GRCh38, 1-based): chrX:139,783,234, G>A on the plus strand (C>T on the coding strand, the complement: ATP11C is on the minus strand). VCF-style: chrX-139783234-G-A. GRCh37 (hg19) VCF-style: chrX-138865393-G-A.
Other names: c.1709C>T, p.Ser570Leu (NM_001010986.3, NM_173694.5); c.1700C>T, p.Ser567Leu (NM_001353810.2, NM_001353811.2); short protein forms S567L, S570L.
Identifiers: ClinVar variation 4867118 (VCV004867118.1).